The following is an entry in ClinVar:

ClinVar aggregate classification (germline): Conflicting classifications of pathogenicity. Review status: criteria provided, conflicting classifications (1 of 4 stars). 6 submissions from 6 submitters: Uncertain significance (5); Likely benign (1). Last evaluated 2025-12-26.

Conditions:
Catecholaminergic polymorphic ventricular tachycardia (CVPT). Also called: Catecholamine-induced polymorphic ventricular tachycardia. Identifiers: Orphanet 3286, MedGen C5574922, MONDO:0017990.
Cardiovascular phenotype. Identifiers: MedGen CN230736.
Catecholaminergic polymorphic ventricular tachycardia 1. Also called: VENTRICULAR TACHYCARDIA, CATECHOLAMINERGIC POLYMORPHIC, 1, WITH OR WITHOUT ATRIAL DYSFUNCTION AND/OR DILATED CARDIOMYOPATHY; VENTRICULAR TACHYCARDIA, STRESS-INDUCED POLYMORPHIC 1; RYR2-Related Catecholaminergic Polymorphic Ventricular Tachycardia. Identifiers: Orphanet 3286, MedGen C1631597, MONDO:0011484, OMIM 604772.
Cardiomyopathy (CMYO). Also called: Cardiomyopathies. Identifiers: Orphanet 167848, MedGen C0878544, MONDO:0004994, HP:0001638. Inheritance: Various modes of inheritance.

Allele frequency attached by ClinVar (database versions not stated): ExAC below 0.00001; gnomAD 0.00006; TOPMed 0.00008.
gnomAD v4.1: 13 of 1,598,282 alleles (0.00081%); highest among the groups gnomAD compares: African/African-American, 0.017%; no homozygotes.

Submissions (6):

Labcorp Genetics (formerly Invitae), Labcorp
Classification: Likely benign for Catecholaminergic polymorphic ventricular tachycardia 1. Last evaluated: 2025-12-26. Review status: criteria provided, single submitter. Criteria: Invitae Variant Classification Sherloc (09022015). Collection method: clinical testing. Allele origin: germline.

All of Us Research Program, National Institutes of Health
Classification: Uncertain significance for Catecholaminergic polymorphic ventricular tachycardia. Last evaluated: 2024-08-13. Review status: criteria provided, single submitter. Criteria: ACMG Guidelines, 2015. Collection method: clinical testing. Allele origin: germline. Inheritance: Autosomal dominant inheritance. Observed: 4 variant alleles, 4 heterozygotes.
Comment: This missense variant replaces proline with threonine at codon 4413 of the RYR2 protein. Computational prediction is inconclusive regarding the impact of this variant on protein structure and function (internally defined REVEL score threshold 0.5 < inconclusive < 0.7, PMID: 27666373). Splice site prediction tools suggest that this variant may not impact RNA splicing. To our knowledge, functional studies have not been reported for this variant. This variant has not been reported in individuals affected with cardiovascular disorders in the literature. This variant has been identified in 3/250440 chromosomes in the general population by the Genome Aggregation Database (gnomAD). The available evidence is insufficient to determine the role of this variant in disease conclusively. Therefore, this variant is classified as a Variant of Uncertain Significance.

This study involves interpretation of variants in research participants for the purpose of population health screening. Participant phenotype was not available at the time of variant classification. Additional details can be found in publication PMID: 35346344, PMCID: PMC8962531

GeneDx
Classification: Uncertain significance. Last evaluated: 2024-07-01. Review status: criteria provided, single submitter. Criteria: GeneDx Variant Classification Process June 2021. Collection method: clinical testing. Allele origin: germline. Affected: yes.
Comment: In silico analysis supports that this missense variant has a deleterious effect on protein structure/function; Has not been previously published as pathogenic or benign to our knowledge; Located in one of the three hot-spot regions of the RYR2 gene, where the majority of pathogenic missense variants occur (PMID: 19926015); This variant is associated with the following publications: (PMID: 19926015)

Color Diagnostics, LLC DBA Color Health
Classification: Uncertain significance for Cardiomyopathy. Last evaluated: 2024-03-06. Review status: criteria provided, single submitter. Criteria: ACMG Guidelines, 2015. Collection method: clinical testing. Allele origin: germline.
Comment: This missense variant replaces proline with threonine at codon 4413 of the RYR2 protein. Computational prediction is inconclusive regarding the impact of this variant on protein structure and function (internally defined REVEL score threshold 0.5 < inconclusive < 0.7, PMID: 27666373). To our knowledge, functional studies have not been reported for this variant. This variant has not been reported in individuals affected with RYR2-related disorders in the literature. This variant has been identified in 2/31386 chromosomes in the general population by the Genome Aggregation Database (gnomAD). The available evidence is insufficient to determine the role of this variant in disease conclusively. Therefore, this variant is classified as a Variant of Uncertain Significance.

Women's Health and Genetics/Laboratory Corporation of America, LabCorp
Classification: Uncertain significance. Last evaluated: 2021-02-22. Review status: criteria provided, single submitter. Criteria: LabCorp Variant Classification Summary - May 2015. Collection method: clinical testing. Allele origin: germline.
Comment: Variant summary: RYR2 c.13237C>A (p.Pro4413Thr) results in a non-conservative amino acid change located in the Ryanodine Receptor TM 4-6 domain (IPR009460) of the encoded protein sequence. Three of five in-silico tools predict a damaging effect of the variant on protein function. The variant allele was found at a frequency of 4.6e-06 in 219054 control chromosomes (gnomAD). The available data on variant occurrences in the general population are insufficient to allow any conclusion about variant significance. To our knowledge, no occurrence of c.13237C>A in individuals affected with Catecholaminergic Polymorphic Ventricular Tachycardia and no experimental evidence demonstrating its impact on protein function have been reported. Two ClinVar submitters (evaluation after 2014) cite the variant as uncertain significance. Based on the evidence outlined above, the variant was classified as uncertain significance.

Ambry Genetics
Classification: Uncertain significance for Cardiovascular phenotype. Last evaluated: 2020-06-09. Review status: criteria provided, single submitter. Criteria: Ambry Variant Classification Scheme 2023. Collection method: clinical testing. Allele origin: germline.
Comment: The p.P4413T variant (also known as c.13237C>A), located in coding exon 90 of the RYR2 gene, results from a C to A substitution at nucleotide position 13237. The proline at codon 4413 is replaced by threonine, an amino acid with highly similar properties. This amino acid position is well conserved in available vertebrate species. In addition, the in silico prediction for this alteration is inconclusive. Since supporting evidence is limited at this time, the clinical significance of this alteration remains unclear.

NM_001035.3(RYR2):c.13237C>A (p.Pro4413Thr)

Genes: RYR2 (ryanodine receptor 2; plus strand), LOC126806068 (BRD4-independent group 4 enhancer GRCh37_chr1:237947411-237948610; plus strand). Cytogenetic location: 1q43.
Variant type: single nucleotide variant.
Coding change: c.13237C>A on transcript NM_001035.3 (MANE Select); coding-DNA position 13237, C replaced by A.
Protein change: p.Pro4413Thr; replaces proline 4413 with threonine.
Molecular consequence: missense variant.
Genome position (GRCh38, 1-based): chr1:237,784,949, C>A. VCF-style: chr1-237784949-C-A. GRCh37 (hg19) VCF-style: chr1-237948249-C-A.
Other names: c.13237C>A, p.Pro4413Thr (LRG_402t1); short protein forms P4413T.
Identifiers: ClinVar variation 450585 (VCV000450585.19), dbSNP rs773441342, ClinGen allele CA085315.
Genomic context (GRCh38, chr1:237,784,949, plus strand): 5'-CTGATTCCTCATAATCCAAATGCTGGGCTCAGTGACCTCATGAGCAACCCAGTCCCCATG[C>A]CTGAGGTGCAGGAAAAATTTCAGGTAATTTATCTCTAAGTCACAGCAGCATTCTCTCTGG-3'
Protein context (NP_001026.2, residues 4403-4423): SDLMSNPVPM[Pro4413Thr]EVQEKFQEQK